The following is an entry in ClinVar:

NM_005751.5(AKAP9):c.9251A>G (p.Lys3084Arg)

Gene: AKAP9 (A-kinase anchoring protein 9; plus strand). Cytogenetic location: 7q21.2.
Variant type: single nucleotide variant.
Coding change: c.9251A>G on transcript NM_005751.5 (MANE Select); coding-DNA position 9251, A replaced by G.
Protein change: p.Lys3084Arg; replaces lysine 3084 with arginine.
Molecular consequence: missense variant.
Genome position (GRCh38, 1-based): chr7:92,089,422, A>G. VCF-style: chr7-92089422-A-G. GRCh37 (hg19) VCF-style: chr7-91718736-A-G.
Other names: c.3896A>G, p.Lys1299Arg (NM_001379277.1); c.9227A>G, p.Lys3076Arg (NM_147185.3); short protein forms K3084R, K3076R, K1299R.
Identifiers: ClinVar variation 1906396 (VCV001906396.7), dbSNP rs766201022, ClinGen allele CA368144552.

ClinVar aggregate classification (germline): Uncertain significance. Review status: criteria provided, multiple submitters, no conflicts (2 of 4 stars). 2 submissions from 2 submitters: Uncertain significance (2). Last evaluated 2025-11-10.

Conditions:
Cardiovascular phenotype. Identifiers: MedGen CN230736.
Long QT syndrome (LQTS). Identifiers: MedGen C0023976, MeSH D008133, MONDO:0002442. Disease mechanism: loss of function. Inheritance: Various modes of inheritance.

gnomAD v4.1: 2 of 1,612,144 alleles (0.00012%); highest among the groups gnomAD compares: Non-Finnish European, 0.00017%; no homozygotes.

Submissions (2):

Labcorp Genetics (formerly Invitae), Labcorp
Classification: Uncertain significance for Long QT syndrome. Last evaluated: 2025-11-10. Review status: criteria provided, single submitter. Criteria: Invitae Variant Classification Sherloc (09022015). Collection method: clinical testing. Allele origin: germline.
Comment: This sequence change replaces lysine, which is basic and polar, with arginine, which is basic and polar, at codon 3084 of the AKAP9 protein (p.Lys3084Arg). This variant is not present in population databases (gnomAD no frequency). This variant has not been reported in the literature in individuals affected with AKAP9-related conditions. ClinVar contains an entry for this variant (Variation ID: 1906396). An algorithm developed to predict the effect of missense changes on protein structure and function (PolyPhen-2) suggests that this variant is likely to be disruptive. In summary, the available evidence is currently insufficient to determine the role of this variant in disease. Therefore, it has been classified as a Variant of Uncertain Significance.

Ambry Genetics
Classification: Uncertain significance for Cardiovascular phenotype. Last evaluated: 2022-11-27. Review status: criteria provided, single submitter. Criteria: Ambry Variant Classification Scheme 2023. Collection method: clinical testing. Allele origin: germline.
Comment: The p.K3084R variant (also known as c.9251A>G), located in coding exon 38 of the AKAP9 gene, results from an A to G substitution at nucleotide position 9251. The lysine at codon 3084 is replaced by arginine, an amino acid with highly similar properties. This amino acid position is conserved. In addition, this alteration is predicted to be tolerated by in silico analysis. Since supporting evidence is limited at this time, the clinical significance of this alteration remains unclear.